The following is an entry in ClinVar:

ClinVar aggregate classification (germline): Likely benign (0 of 4 stars; one submission).

Conditions:
MAPKBP1-related disorder. Also called: MAPKBP1-related condition.

gnomAD v4.1: 6 of 1,613,902 alleles (0.00037%); highest among the groups gnomAD compares: Admixed American, 0.01%; no homozygotes.

Submission:

PreventionGenetics, part of Exact Sciences
Classification: Likely benign for MAPKBP1-related condition. Last evaluated: 2024-03-07. Review status: no assertion criteria provided. Collection method: clinical testing. Allele origin: germline.
Comment: This variant is classified as likely benign based on ACMG/AMP sequence variant interpretation guidelines (Richards et al. 2015 PMID: 25741868, with internal and published modifications).

NM_014994.3(MAPKBP1):c.99G>A (p.Glu33=)

Gene: MAPKBP1 (mitogen-activated protein kinase binding protein 1; plus strand). Cytogenetic location: 15q15.1.
Variant type: single nucleotide variant.
Coding change: c.99G>A on transcript NM_014994.3 (MANE Select); coding-DNA position 99, G replaced by A.
Protein change: p.Glu33=; no amino-acid change (glutamic acid 33 retained).
Molecular consequence: synonymous variant. On other transcripts: non-coding transcript variant (2).
Genome position (GRCh38, 1-based): chr15:41,775,374, G>A. VCF-style: chr15-41775374-G-A. GRCh37 (hg19) VCF-style: chr15-42067572-G-A.
Other names: c.99G>A, p.Glu33= (NM_001128608.2, NM_001265611.2).
Identifiers: ClinVar variation 3351345 (VCV003351345.1).